The following is an entry in ClinVar:

NM_152513.4(MEI1):c.2206del (p.Val736fs)

Gene: MEI1 (meiotic double-stranded break formation protein 1; plus strand). Cytogenetic location: 22q13.2.
Variant type: Deletion.
Coding change: c.2206del on transcript NM_152513.4 (MANE Select); coding-DNA position 2206, one base deleted (G; older notation c.2206delG).
Protein change: p.Val736fs; shifts the reading frame from valine 736.
Molecular consequence: frameshift variant.
Genome position (GRCh38, 1-based): chr22:41,763,259, G deleted; the last of 2 consecutive G bases (chr22:41,763,258-41,763,259); deleting either gives the same sequence. VCF-style (leftmost placement, unchanged base first): chr22-41763257-TG-T. GRCh37 (hg19) VCF-style: chr22-42159261-TG-T.
Other names: short protein forms V736fs.
Identifiers: ClinVar variation 627578 (VCV000627578.4), dbSNP rs759915989, ClinGen allele CA10260452.

ClinVar aggregate classification (germline): Pathogenic. Review status: criteria provided, single submitter (1 of 4 stars). 3 submissions from 2 submitters: Pathogenic (1). 2 of the submissions do not count toward it. Last evaluated 2025-08-11.

Conditions:
SPERMATOGENIC FAILURE 103 (SPGF103). Identifiers: MedGen CN382119, OMIM 621619.
Hydatidiform mole, recurrent, 3. Identifiers: MedGen C5193093, MONDO:0032746, OMIM 618431.

Submissions (3):

GeneDx
Classification: Pathogenic. Last evaluated: 2025-08-11. Review status: criteria provided, single submitter. Criteria: GeneDx Variant Classification Process June 2021. Collection method: clinical testing. Allele origin: germline. Affected: yes.
Comment: Frameshift variant predicted to result in protein truncation or nonsense mediated decay in a gene for which loss of function is a known mechanism of disease; This variant is associated with the following publications: (PMID: 36177363, 30388401)

OMIM
Classification: Pathogenic for HYDATIDIFORM MOLE, RECURRENT, 3. Last evaluated: 2026-06-15. Review status: no assertion criteria provided. Collection method: literature only. Allele origin: germline. Not counted in ClinVar's aggregate classification.

OMIM
Classification: Pathogenic for SPERMATOGENIC FAILURE 103. Last evaluated: 2026-06-15. Review status: no assertion criteria provided. Collection method: literature only. Allele origin: germline. Not counted in ClinVar's aggregate classification.

Literature cited by the submitters: PubMed 30388401 (cited by OMIM); Hamosh, A. Personal Communication. 2019. Baltimore, Md. (cited by OMIM).